The following is an entry in ClinVar:

NM_000124.4(ERCC6):c.*2729G>A

Gene: ERCC6 (ERCC excision repair 6, chromatin remodeling factor; minus strand). Cytogenetic location: 10q11.23.
Variant type: single nucleotide variant.
Coding change: c.*2729G>A on transcript NM_000124.4 (MANE Select); 2729 bases downstream of the stop codon, G replaced by A.
Molecular consequence: 3 prime UTR variant.
Genome position (GRCh38, 1-based): chr10:49,456,086, C>T on the plus strand (G>A on the coding strand, the complement: ERCC6 is on the minus strand). VCF-style: chr10-49456086-C-T. GRCh37 (hg19) VCF-style: chr10-50664132-C-T.
Other names: c.*2729G>A (NM_001346440.2).
Identifiers: ClinVar variation 878035 (VCV000878035.28), dbSNP rs535616736, ClinGen allele CA206612869.

ClinVar aggregate classification (germline): Conflicting classifications of pathogenicity. Review status: criteria provided, conflicting classifications (1 of 4 stars). 4 submissions from 2 submitters: Uncertain significance (2); Likely benign (2). Last evaluated 2023-06-01.

Conditions:
Cerebrooculofacioskeletal syndrome 1 (COFS1). Also called: Cerebro-oculo-facio-skeletal syndrome 1. Identifiers: MedGen C0220722, MONDO:0008955, OMIM 214150.
Age related macular degeneration 5. Identifiers: MedGen C3151063, MONDO:0013409, OMIM 613761.
Cockayne syndrome type 2 (CSB). Also called: COCKAYNE SYNDROME B; Cockayne Syndrome, Type II. Identifiers: Orphanet 191, Orphanet 90322, MedGen C0751038, MONDO:0019570, OMIM 133540.

Allele frequency attached by ClinVar (database versions not stated): 1000 Genomes Project 30x 0.00031; 1000 Genomes Project 0.00040; TOPMed 0.00130; gnomAD 0.00210 and 0.00214.

Submissions (4):

CeGaT Center for Human Genetics Tuebingen
Classification: Likely benign. Last evaluated: 2023-06-01. Review status: criteria provided, single submitter. Criteria: CeGaT Center For Human Genetics Tuebingen Variant Classification Criteria Version 2. Collection method: clinical testing. Allele origin: germline. Affected: yes. Observed: 6 variant alleles.
Comment: ERCC6: BS2

Illumina Laboratory Services, Illumina
Classification: Likely benign for Age related macular degeneration 5. Last evaluated: 2018-01-12. Review status: criteria provided, single submitter. Criteria: ICSL Variant Classification Criteria 13 December 2019. Collection method: clinical testing. Allele origin: germline.
Comment: This variant was observed in the ICSL laboratory as part of a predisposition screen in an ostensibly healthy population. It had not been previously curated by ICSL or reported in the Human Gene Mutation Database (HGMD: prior to June 1st, 2018), and was therefore a candidate for classification through an automated scoring system. Utilizing variant allele frequency, disease prevalence and penetrance estimates, and inheritance mode, an automated score was calculated to assess if this variant is too frequent to cause the disease. Based on the score and internal cut-off values, a variant classified as likely benign is not then subjected to further curation. The score for this variant resulted in a classification of likely benign for this disease.

Illumina Laboratory Services, Illumina
Classification: Uncertain significance for Cockayne syndrome type 2. Last evaluated: 2018-01-12. Review status: criteria provided, single submitter. Criteria: ICSL Variant Classification Criteria 13 December 2019. Collection method: clinical testing. Allele origin: germline.

Illumina Laboratory Services, Illumina
Classification: Uncertain significance for Cerebrooculofacioskeletal syndrome 1. Last evaluated: 2018-01-12. Review status: criteria provided, single submitter. Criteria: ICSL Variant Classification Criteria 13 December 2019. Collection method: clinical testing. Allele origin: germline.